The following is an entry in ClinVar:

ClinVar aggregate classification (germline): Uncertain significance. Review status: criteria provided, multiple submitters, no conflicts (2 of 4 stars). 2 submissions from 2 submitters: Uncertain significance (2). Last evaluated 2022-11-08.

Conditions:
Ehlers-Danlos syndrome (EDS). Identifiers: Orphanet 98249, MedGen C0013720, MONDO:0020066.
Familial thoracic aortic aneurysm and aortic dissection (TAAD). Also called: Thoracic aortic aneurysms and dissections. Identifiers: Orphanet 91387, MedGen C4707243, MONDO:0019625.

Allele frequency attached by ClinVar (database versions not stated): ExAC below 0.00001; gnomAD exomes below 0.00001; gnomAD 0.00001.
gnomAD v4.1: 3 of 1,580,076 alleles (0.00019%); highest among the groups gnomAD compares: Non-Finnish European, 0.00017%; no homozygotes.

Submissions (2):

Color Diagnostics, LLC DBA Color Health
Classification: Uncertain significance for Familial thoracic aortic aneurysm and aortic dissection. Last evaluated: 2022-11-08. Review status: criteria provided, single submitter. Criteria: ACMG Guidelines, 2015. Collection method: clinical testing. Allele origin: germline.
Comment: This variant causes a C to T nucleotide substitution at the -10 position in the 5' untranslated region in the SMAD3 gene. To our knowledge, functional studies have not been reported for this variant. This variant has not been reported in individuals affected with SMAD3-related disorders in the literature. This variant has been identified in 1/225934 chromosomes in the general population by the Genome Aggregation Database (gnomAD). The available evidence is insufficient to determine the role of this variant in disease conclusively. Therefore, this variant is classified as a Variant of Uncertain Significance.

Genome Diagnostics Laboratory, The Hospital for Sick Children
Classification: Uncertain significance for Ehlers-Danlos syndrome. Last evaluated: 2020-04-01. Review status: criteria provided, single submitter. Criteria: ACMG Guidelines, 2015. Collection method: clinical testing. Allele origin: germline.

NM_005902.4(SMAD3):c.-10C>T

Genes: SMAD3 (SMAD family member 3; plus strand), LOC130057352 (ATAC-STARR-seq lymphoblastoid silent region 6574; plus strand). Cytogenetic location: 15q22.33.
Variant type: single nucleotide variant.
Coding change: c.-10C>T on transcript NM_005902.4 (MANE Select); 10 bases upstream of the start codon, C replaced by T.
Molecular consequence: 5 prime UTR variant.
Genome position (GRCh38, 1-based): chr15:67,066,145, C>T. VCF-style: chr15-67066145-C-T. GRCh37 (hg19) VCF-style: chr15-67358483-C-T.
Identifiers: ClinVar variation 922300 (VCV000922300.8), dbSNP rs777303695, ClinGen allele CA061592.